The following is an entry in ClinVar:

NM_001903.5(CTNNA1):c.1754C>T (p.Pro585Leu)

Gene: CTNNA1 (catenin alpha 1; plus strand). Cytogenetic location: 5q31.2.
Variant type: single nucleotide variant.
Coding change: c.1754C>T on transcript NM_001903.5 (MANE Select); coding-DNA position 1754, C replaced by T.
Protein change: p.Pro585Leu; replaces proline 585 with leucine.
Molecular consequence: missense variant.
Genome position (GRCh38, 1-based): chr5:138,925,262, C>T. VCF-style: chr5-138925262-C-T. GRCh37 (hg19) VCF-style: chr5-138260951-C-T.
Other names: c.1754C>T (NM_001903.3, NM_001903.2); c.1754C>T, p.Pro585Leu (NM_001290307.3, NM_001323982.2, NM_001323983.1 and 2 more transcripts); c.1445C>T, p.Pro482Leu (NM_001290309.3); c.1385C>T, p.Pro462Leu (NM_001290310.3); c.644C>T, p.Pro215Leu (NM_001290312.1, NM_001323987.1, NM_001323988.1 and 17 more transcripts); c.1661C>T, p.Pro554Leu (NM_001323986.2); c.305C>T, p.Pro102Leu (NM_001324006.1, NM_001324007.1, NM_001324008.1 and 2 more transcripts); c.551C>T, p.Pro184Leu (NM_001324011.1); and 1 more; short protein forms P215L, P585L, P462L, P554L, P102L, P134L, P184L, P482L.
Identifiers: ClinVar variation 1462393 (VCV001462393.10), dbSNP rs1763765196, ClinGen allele CA361132136.
Genomic context (GRCh38, chr5:138,925,262, plus strand): 5'-GGGGAATGATGCTGCCTGCTGACCAGGGTATCTACTGTGCCTCTTTCTCCACAGTCATGC[C>T]ACGTTTTACTGAGCAAGTAGAAGCAGCCGTGGAAGCCCTCAGCTCGGACCCTGCCCAGCC-3'
Protein context (NP_001894.2, residues 575-595): ATKLLSNTVM[Pro585Leu]RFTEQVEAAV

ClinVar aggregate classification (germline): Uncertain significance. Review status: criteria provided, multiple submitters, no conflicts (2 of 4 stars). 3 submissions from 3 submitters: Uncertain significance (3). Last evaluated 2025-10-14.

Conditions:
Hereditary cancer-predisposing syndrome. Also called: Tumor predisposition; Hereditary neoplastic syndrome; Hereditary Cancer Syndrome; Neoplastic Syndromes, Hereditary. Identifiers: Orphanet 140162, MedGen C0027672, MeSH D009386, MONDO:0015356.

Allele frequency attached by ClinVar (database versions not stated): TOPMed below 0.00001; gnomAD 0.00001.
gnomAD v4.1: 1 of 1,613,724 alleles (0.000062%); highest among the groups gnomAD compares: African/African-American, 0.0013%; no homozygotes.

Submissions (3):

Ambry Genetics
Classification: Uncertain significance for Hereditary cancer-predisposing syndrome. Last evaluated: 2025-10-14. Review status: criteria provided, single submitter. Criteria: Ambry Variant Classification Scheme 2023. Collection method: clinical testing. Allele origin: germline.
Comment: The p.P585L variant (also known as c.1754C>T), located in coding exon 12 of the CTNNA1 gene, results from a C to T substitution at nucleotide position 1754. The proline at codon 585 is replaced by leucine, an amino acid with similar properties. This amino acid position is conserved. In addition, the in silico prediction for this alteration is inconclusive. Based on the available evidence, the clinical significance of this variant remains unclear.

Labcorp Genetics (formerly Invitae), Labcorp
Classification: Uncertain significance. Last evaluated: 2024-12-15. Review status: criteria provided, single submitter. Criteria: Invitae Variant Classification Sherloc (09022015). Collection method: clinical testing. Allele origin: germline.
Comment: This sequence change replaces proline, which is neutral and non-polar, with leucine, which is neutral and non-polar, at codon 585 of the CTNNA1 protein (p.Pro585Leu). This variant is not present in population databases (gnomAD no frequency). This variant has not been reported in the literature in individuals affected with CTNNA1-related conditions. ClinVar contains an entry for this variant (Variation ID: 1462393). Invitae Evidence Modeling of protein sequence and biophysical properties (such as structural, functional, and spatial information, amino acid conservation, physicochemical variation, residue mobility, and thermodynamic stability) indicates that this missense variant is not expected to disrupt CTNNA1 protein function with a negative predictive value of 80%. In summary, the available evidence is currently insufficient to determine the role of this variant in disease. Therefore, it has been classified as a Variant of Uncertain Significance.

GeneDx
Classification: Uncertain significance. Last evaluated: 2022-10-24. Review status: criteria provided, single submitter. Criteria: GeneDx Variant Classification Process June 2021. Collection method: clinical testing. Allele origin: germline. Affected: yes.
Comment: Not observed at significant frequency in large population cohorts (gnomAD); In silico analysis supports that this missense variant has a deleterious effect on protein structure/function; Has not been previously published as pathogenic or benign to our knowledge